The following is an entry in ClinVar:

NM_004055.5(CAPN5):c.90C>T (p.Pro30=)

Gene: CAPN5 (calpain 5; plus strand). Cytogenetic location: 11q13.5.
Variant type: single nucleotide variant.
Coding change: c.90C>T on transcript NM_004055.5 (MANE Select); coding-DNA position 90, C replaced by T.
Protein change: p.Pro30=; no amino-acid change (proline 30 retained).
Molecular consequence: synonymous variant.
Genome position (GRCh38, 1-based): chr11:77,084,976, C>T. VCF-style: chr11-77084976-C-T. GRCh37 (hg19) VCF-style: chr11-76796022-C-T.
Other names: c.90C>T (NM_004055.4).
Identifiers: ClinVar variation 1414741 (VCV001414741.11), dbSNP rs34236021, ClinGen allele CA6196103.

ClinVar aggregate classification (germline): Likely benign. Review status: criteria provided, multiple submitters, no conflicts (2 of 4 stars). 4 submissions from 4 submitters: Likely benign (3). 1 of the submissions does not count toward it. Last evaluated 2025-11-19.

Conditions:
CAPN5-related disorder. Also called: CAPN5-related condition.

gnomAD v4.1: 318 of 1,613,632 alleles (0.02%); highest among the groups gnomAD compares: Middle Eastern, 0.15%; no homozygotes.

Submissions (4):

Labcorp Genetics (formerly Invitae), Labcorp
Classification: Likely benign. Last evaluated: 2025-11-19. Review status: criteria provided, single submitter. Criteria: Invitae Variant Classification Sherloc (09022015). Collection method: clinical testing. Allele origin: germline.

Blueprint Genetics
Classification: Likely benign. Last evaluated: 2024-11-26. Review status: criteria provided, single submitter. Criteria: ACMG Guidelines, 2015. Collection method: clinical testing. Allele origin: germline.

Breakthrough Genomics
Classification: Likely benign. Review status: criteria provided, single submitter. Criteria: ACMG Guidelines, 2015. Collection method: not provided. Allele origin: germline. Inheritance: Autosomal dominant inheritance. Affected: yes.

PreventionGenetics, part of Exact Sciences
Classification: Likely benign for CAPN5-related condition. Last evaluated: 2019-07-18. Review status: no assertion criteria provided. Collection method: clinical testing. Allele origin: germline. Not counted in ClinVar's aggregate classification.
Comment: This variant is classified as likely benign based on ACMG/AMP sequence variant interpretation guidelines (Richards et al. 2015 PMID: 25741868, with internal and published modifications).